The following is an entry in ClinVar:

ClinVar aggregate classification (germline): Likely pathogenic (1 of 4 stars; one submission).

Conditions:
Christianson syndrome (MRXSCH). Also called: SLC9A6-Related Syndromic Mental Retardation; INTELLECTUAL DEVELOPMENTAL DISORDER, X-LINKED, SYNDROMIC, CHRISTIANSON TYPE; X-linked mental retardation, syndromic, Christianson type. Identifiers: Orphanet 85278, MedGen C2678194, MONDO:0010278, OMIM 300243.

Submission:

Labcorp Genetics (formerly Invitae), Labcorp
Classification: Likely pathogenic for Christianson syndrome. Last evaluated: 2021-12-19. Review status: criteria provided, single submitter. Criteria: Invitae Variant Classification Sherloc (09022015). Collection method: clinical testing. Allele origin: germline.
Comment: This sequence change affects an acceptor splice site in intron 5 of the SLC9A6 gene. It is expected to disrupt RNA splicing. Variants that disrupt the donor or acceptor splice site typically lead to a loss of protein function (PMID: 16199547), and loss-of-function variants in SLC9A6 are known to be pathogenic (PMID: 18342287). This variant is not present in population databases (gnomAD no frequency). This variant has not been reported in the literature in individuals affected with SLC9A6-related conditions. Algorithms developed to predict the effect of sequence changes on RNA splicing suggest that this variant may disrupt the consensus splice site. In summary, the currently available evidence indicates that the variant is pathogenic, but additional data are needed to prove that conclusively. Therefore, this variant has been classified as Likely Pathogenic.

Literature cited by the submitters: PubMed 16199547; PubMed 18342287.

NM_001379110.1(SLC9A6):c.638-1G>A

Gene: SLC9A6 (solute carrier family 9 member A6; plus strand). Cytogenetic location: Xq26.3.
Variant type: single nucleotide variant.
Coding change: c.638-1G>A on transcript NM_001379110.1 (MANE Select); the canonical splice acceptor site of the intron before coding-DNA position 638, G replaced by A.
Molecular consequence: splice acceptor variant.
Genome position (GRCh38, 1-based): chrX:136,002,107, G>A. VCF-style: chrX-136002107-G-A. GRCh37 (hg19) VCF-style: chrX-135084266-G-A.
Other names: c.638-1G>A (NM_001400909.1, NM_001400910.1, NM_001400911.1 and 2 more transcripts); c.794-1G>A (NM_001042537.2); c.698-1G>A (NM_006359.3); c.542-1G>A (NM_001400913.1, NM_001330652.2).
Identifiers: ClinVar variation 1517694 (VCV001517694.6), dbSNP rs2148156504, ClinGen allele CA414750324.